The following is an entry in ClinVar:

NM_001367624.2(ZNF469):c.2440_2444del (p.Thr814fs)

Gene: ZNF469 (zinc finger protein 469; plus strand). Cytogenetic location: 16q24.2.
Variant type: Deletion.
Coding change: c.2440_2444del on transcript NM_001367624.2 (MANE Select); coding-DNA positions 2440 to 2444, 5 bases deleted (ACAGG; older notation c.2440_2444delACAGG).
Protein change: p.Thr814fs; shifts the reading frame from threonine 814.
Molecular consequence: frameshift variant.
Genome position (GRCh38, 1-based): chr16:88,429,910-88,429,914, ACAGG deleted; deleting any 5 consecutive bases within chr16:88,429,907-88,429,914 gives the same sequence; the c. name uses the placement nearest the transcript's 3' end. VCF-style (leftmost placement, unchanged base first): chr16-88429906-GAGGAC-G. GRCh37 (hg19) VCF-style: chr16-88496314-GAGGAC-G.
Other names: short protein forms T814fs.
Identifiers: ClinVar variation 1376500 (VCV001376500.6), dbSNP rs2142301692, ClinGen allele CA2573152831.
Genomic context (GRCh38, chr16:88,429,906, plus strand): 5'-CCACGCGAAGACCTTCCTGTTAGCTGGGGACGCCCAGGCCGAGGGCAAAGACGACCCCCT[GAGGAC>G]AGGCTTCCTGCCCAGCCTGGCCGCCACCCCCTTCCCGCTCCCTGCCTCGGACCTGGACAT-3'

ClinVar aggregate classification (germline): Pathogenic (1 of 4 stars; one submission).

Submission:

Labcorp Genetics (formerly Invitae), Labcorp
Classification: Pathogenic. Last evaluated: 2021-12-01. Review status: criteria provided, single submitter. Criteria: Invitae Variant Classification Sherloc (09022015). Collection method: clinical testing. Allele origin: germline.
Comment: This sequence change creates a premature translational stop signal (p.Thr814Leufs*22) in the ZNF469 gene. It is expected to result in an absent or disrupted protein product. Loss-of-function variants in ZNF469 are known to be pathogenic (PMID: 23642083, 23680354). This variant is not present in population databases (gnomAD no frequency). This variant has not been reported in the literature in individuals affected with ZNF469-related conditions. For these reasons, this variant has been classified as Pathogenic.

Literature cited by the submitters: PubMed 23642083; PubMed 23680354.